The following is an entry in ClinVar:

ClinVar aggregate classification (germline): Pathogenic/Likely pathogenic. Review status: criteria provided, multiple submitters, no conflicts (2 of 4 stars). 4 submissions from 4 submitters: Pathogenic (2); Likely pathogenic (1). 1 of the submissions does not count toward it. Last evaluated 2025-08-15.

Conditions:
LRP5-related disorder. Also called: LRP5-related condition.
Osteoporosis with pseudoglioma (OPPG). Also called: osteoporosis-pseudoglioma syndrome. Identifiers: Orphanet 2788, MedGen C0432252, MONDO:0009820, OMIM 259770.
Bone mineral density quantitative trait locus 1 (BMND1). Identifiers: MedGen C1866079, OMIM 601884.
Polycystic liver disease 4 with or without kidney cysts. Identifiers: MedGen C4693479, MONDO:0044327, OMIM 617875.
Autosomal dominant osteopetrosis 1 (OPTA1). Also called: OSTEOPETROSIS, AUTOSOMAL DOMINANT, TYPE I. Identifiers: Orphanet 2783, MedGen C1843330, MONDO:0011877, OMIM 607634.
Worth disease. Also called: Autosomal dominant osteosclerosis, Worth type; ENDOSTEAL HYPEROSTOSIS, AUTOSOMAL DOMINANT; OSTEOSCLEROSIS, AUTOSOMAL DOMINANT. Identifiers: Orphanet 2790, MedGen C0432273, MONDO:0007764, OMIM 144750.
Exudative vitreoretinopathy 4 (EVR4). Identifiers: Orphanet 891, MedGen C1866176, MONDO:0011151, OMIM 601813.

Allele frequency attached by ClinVar (database versions not stated): TOPMed below 0.00001; gnomAD exomes 0.00001 and below 0.00001.
gnomAD v4.1: 12 of 1,614,122 alleles (0.00074%); highest among the groups gnomAD compares: East Asian, 0.016%; no homozygotes.

Submissions (4):

Labcorp Genetics (formerly Invitae), Labcorp
Classification: Pathogenic. Last evaluated: 2025-08-15. Review status: criteria provided, single submitter. Criteria: Invitae Variant Classification Sherloc (09022015). Collection method: clinical testing. Allele origin: germline.
Comment: This sequence change replaces proline, which is neutral and non-polar, with leucine, which is neutral and non-polar, at codon 382 of the LRP5 protein (p.Pro382Leu). This variant is present in population databases (rs397514664, gnomAD 0.0009%). This missense change has been observed in individuals with autosomal dominant familial exudative vitreoretinopathy and autosomal recessive osteoporosis-pseudoglioma syndrome (PMID: 20034086, 29131652, 30452590). It has also been observed to segregate with disease in related individuals. ClinVar contains an entry for this variant (Variation ID: 40288). Invitae Evidence Modeling of protein sequence and biophysical properties (such as structural, functional, and spatial information, amino acid conservation, physicochemical variation, residue mobility, and thermodynamic stability) has been performed for this missense variant. However, the output from this modeling did not meet the statistical confidence thresholds required to predict the impact of this variant on LRP5 protein function. For these reasons, this variant has been classified as Pathogenic.

Blueprint Genetics
Classification: Pathogenic for LRP5-related disorders. Last evaluated: 2024-05-22. Review status: criteria provided, single submitter. Criteria: ACMG Guidelines, 2015. Collection method: clinical testing. Allele origin: germline. Affected: yes. Observed: 4 variant alleles.

Juno Genomics, Hangzhou Juno Genomics, Inc
Classification: Likely pathogenic for Bone mineral density quantitative trait locus 1; Worth disease; Exudative vitreoretinopathy 4; Autosomal dominant osteopetrosis 1; Osteoporosis with pseudoglioma; Polycystic liver disease 4 with or without kidney cysts. Review status: criteria provided, single submitter. Criteria: ACMG Guidelines, 2015. Collection method: clinical testing. Allele origin: germline.
Comment: Absent from controls (or at extremely low frequency if recessive) in Genome Aggregation Database.;Multiple lines of computational evidence support a deleterious effect on the gene or gene product.;Missense variant in a gene that has a low rate of benign missense variation.;The prevalence of the variant in affected individuals is significantly increased compared to the prevalence in controls.

OMIM
Classification: Pathogenic for OSTEOPOROSIS-PSEUDOGLIOMA SYNDROME. Last evaluated: 2010-01-01. Review status: no assertion criteria provided. Collection method: literature only. Allele origin: germline. Not counted in ClinVar's aggregate classification.

Literature cited by the submitters: PubMed 20034086 (cited by Labcorp Genetics (formerly Invitae), Labcorp and OMIM); PubMed 29131652 (cited by Labcorp Genetics (formerly Invitae), Labcorp); PubMed 30452590 (cited by Labcorp Genetics (formerly Invitae), Labcorp); PubMed 16252235 (cited by OMIM); PubMed 11719191 (cited by OMIM).

NM_002335.4(LRP5):c.1145C>T (p.Pro382Leu)

Gene: LRP5 (LDL receptor related protein 5; plus strand). Cytogenetic location: 11q13.2.
Variant type: single nucleotide variant.
Coding change: c.1145C>T on transcript NM_002335.4 (MANE Select); coding-DNA position 1145, C replaced by T.
Protein change: p.Pro382Leu; replaces proline 382 with leucine.
Molecular consequence: missense variant. On other transcripts: 5 prime UTR variant (1).
Genome position (GRCh38, 1-based): chr11:68,386,445, C>T. VCF-style: chr11-68386445-C-T. GRCh37 (hg19) VCF-style: chr11-68153913-C-T.
Other names: c.-621C>T (NM_001291902.2); short protein forms P382L.
Identifiers: ClinVar variation 40288 (VCV000040288.12), dbSNP rs397514664, ClinGen allele CA130816.